The following is an entry in ClinVar:

ClinVar aggregate classification (germline): Uncertain significance (1 of 4 stars; one submission).

Conditions:
Hereditary cancer-predisposing syndrome. Also called: Neoplastic Syndromes, Hereditary; Tumor predisposition; Hereditary neoplastic syndrome; Hereditary Cancer Syndrome. Identifiers: Orphanet 140162, MedGen C0027672, MeSH D009386, MONDO:0015356.

Submission:

Ambry Genetics
Classification: Uncertain significance for Hereditary cancer-predisposing syndrome. Last evaluated: 2024-04-22. Review status: criteria provided, single submitter. Criteria: Ambry Variant Classification Scheme 2023. Collection method: clinical testing. Allele origin: germline.
Comment: The p.Y275N variant (also known as c.823T>A), located in coding exon 7 of the TSC1 gene, results from a T to A substitution at nucleotide position 823. The tyrosine at codon 275 is replaced by asparagine, an amino acid with dissimilar properties. This amino acid position is conserved. In addition, this alteration is predicted to be deleterious by in silico analysis. Based on the available evidence, the clinical significance of this variant remains unclear.

NM_000368.5(TSC1):c.823T>A (p.Tyr275Asn)

Gene: TSC1 (TSC complex subunit 1; minus strand). Cytogenetic location: 9q34.13.
Variant type: single nucleotide variant.
Coding change: c.823T>A on transcript NM_000368.5 (MANE Select); coding-DNA position 823, T replaced by A.
Protein change: p.Tyr275Asn; replaces tyrosine 275 with asparagine.
Molecular consequence: missense variant. On other transcripts: 5 prime UTR variant (5), non-coding transcript variant (5).
Genome position (GRCh38, 1-based): chr9:132,912,372, A>T on the plus strand (T>A on the coding strand, the complement: TSC1 is on the minus strand). VCF-style: chr9-132912372-A-T. GRCh37 (hg19) VCF-style: chr9-135787759-A-T.
Other names: c.823T>A, p.Tyr275Asn (NM_001162426.2, NM_001406592.1, NM_001406593.1 and 16 more transcripts); c.670T>A, p.Tyr224Asn (NM_001162427.2, NM_001406610.1, NM_001406611.1 and 2 more transcripts); c.460T>A, p.Tyr154Asn (NM_001362177.2, NM_001406614.1, NM_001406625.1 and 10 more transcripts); c.-129T>A (NM_001406626.1, NM_001406627.1, NM_001406628.1); c.-271T>A (NM_001406629.1, NM_001406630.1); short protein forms Y154N, Y224N, Y275N.
Identifiers: ClinVar variation 3329415 (VCV003329415.1).